The following is an entry in ClinVar:

ClinVar aggregate classification (germline): Uncertain significance (1 of 4 stars; one submission).

Allele frequency attached by ClinVar (database versions not stated): ExAC 0.00001; gnomAD 0.00001; gnomAD exomes 0.00001; TOPMed 0.00001.
gnomAD v4.1: 4 of 1,614,006 alleles (0.00025%); highest among the groups gnomAD compares: Admixed American, 0.005%; no homozygotes.

Submission:

Labcorp Genetics (formerly Invitae), Labcorp
Classification: Uncertain significance. Last evaluated: 2021-11-06. Review status: criteria provided, single submitter. Criteria: Invitae Variant Classification Sherloc (09022015). Collection method: clinical testing. Allele origin: germline.
Comment: This sequence change replaces valine, which is neutral and non-polar, with isoleucine, which is neutral and non-polar, at codon 561 of the DLL3 protein (p.Val561Ile). This variant is present in population databases (rs577591982, gnomAD 0.006%). This variant has not been reported in the literature in individuals affected with DLL3-related conditions. Algorithms developed to predict the effect of missense changes on protein structure and function output the following: SIFT: "Tolerated"; PolyPhen-2: "Benign"; Align-GVGD: "Class C0". The isoleucine amino acid residue is found in multiple mammalian species, which suggests that this missense change does not adversely affect protein function. In summary, the available evidence is currently insufficient to determine the role of this variant in disease. Therefore, it has been classified as a Variant of Uncertain Significance.

NM_203486.3(DLL3):c.1681G>A (p.Val561Ile)

Gene: DLL3 (delta like canonical Notch ligand 3; plus strand). Cytogenetic location: 19q13.2.
Variant type: single nucleotide variant.
Coding change: c.1681G>A on transcript NM_203486.3 (MANE Select); coding-DNA position 1681, G replaced by A.
Protein change: p.Val561Ile; replaces valine 561 with isoleucine.
Molecular consequence: missense variant.
Genome position (GRCh38, 1-based): chr19:39,507,837, G>A. VCF-style: chr19-39507837-G-A. GRCh37 (hg19) VCF-style: chr19-39998477-G-A.
Other names: c.1681G>A, p.Val561Ile (NM_016941.4); short protein forms V561I.
Identifiers: ClinVar variation 1431601 (VCV001431601.3), dbSNP rs577591982, ClinGen allele CA9432511.